The following is an entry in ClinVar:

ClinVar aggregate classification (germline): Uncertain significance (1 of 4 stars; one submission).

Conditions:
Severe combined immunodeficiency due to DNA-PKcs deficiency. Also called: IMMUNODEFICIENCY 26 WITH NEUROLOGIC ABNORMALITIES; Immunodeficiency 26 with or without neurologic abnormalities. Identifiers: Orphanet 317425, MedGen C4014833, MONDO:0014423, OMIM 615966.

gnomAD v4.1: 5 of 1,613,800 alleles (0.00031%); highest among the groups gnomAD compares: African/African-American, 0.0067%; no homozygotes.

Submission:

Labcorp Genetics (formerly Invitae), Labcorp
Classification: Uncertain significance for Severe combined immunodeficiency due to DNA-PKcs deficiency. Last evaluated: 2025-03-31. Review status: criteria provided, single submitter. Criteria: Invitae Variant Classification Sherloc (09022015). Collection method: clinical testing. Allele origin: germline.
Comment: This sequence change replaces proline, which is neutral and non-polar, with serine, which is neutral and polar, at codon 2573 of the PRKDC protein (p.Pro2573Ser). This variant is present in population databases (rs377146876, gnomAD 0.01%). This variant has not been reported in the literature in individuals affected with PRKDC-related conditions. Invitae Evidence Modeling of protein sequence and biophysical properties (such as structural, functional, and spatial information, amino acid conservation, physicochemical variation, residue mobility, and thermodynamic stability) indicates that this missense variant is not expected to disrupt PRKDC protein function with a negative predictive value of 80%. In summary, the available evidence is currently insufficient to determine the role of this variant in disease. Therefore, it has been classified as a Variant of Uncertain Significance.

NM_006904.7(PRKDC):c.7717C>T (p.Pro2573Ser)

Gene: PRKDC (protein kinase, DNA-activated, catalytic subunit; minus strand). Cytogenetic location: 8q11.21.
Variant type: single nucleotide variant.
Coding change: c.7717C>T on transcript NM_006904.7 (MANE Select); coding-DNA position 7717, C replaced by T.
Protein change: p.Pro2573Ser; replaces proline 2573 with serine.
Molecular consequence: missense variant.
Genome position (GRCh38, 1-based): chr8:47,837,256, G>A on the plus strand (C>T on the coding strand, the complement: PRKDC is on the minus strand). VCF-style: chr8-47837256-G-A. GRCh37 (hg19) VCF-style: chr8-48749817-G-A.
Other names: c.7717C>T, p.Pro2573Ser (NM_001081640.2); short protein forms P2573S.
Identifiers: ClinVar variation 3626828 (VCV003626828.2).